The following is an entry in ClinVar:

NM_006662.3(SRCAP):c.3050C>T (p.Ala1017Val)

Gene: SRCAP (Snf2 related CREBBP activator protein; plus strand). Cytogenetic location: 16p11.2.
Variant type: single nucleotide variant.
Coding change: c.3050C>T on transcript NM_006662.3 (MANE Select); coding-DNA position 3050, C replaced by T.
Protein change: p.Ala1017Val; replaces alanine 1017 with valine.
Molecular consequence: missense variant.
Genome position (GRCh38, 1-based): chr16:30,720,775, C>T. VCF-style: chr16-30720775-C-T. GRCh37 (hg19) VCF-style: chr16-30732096-C-T.
Other names: c.3050C>T (NM_006662.2); short protein forms A1017V.
Identifiers: ClinVar variation 1347550 (VCV001347550.8), dbSNP rs767714019, ClinGen allele CA8011397.
Genomic context (GRCh38, chr16:30,720,775, plus strand): 5'-TGCTGCAGCCAGTACCTAAGCAAGAAGGCCGGACAGTGGTGGTGGTGAACAACCCACGGG[C>T]GCCCCTGGGCCCTGTCCCAGTTCGACCTCCTCCAGGTCCTGAGCTCTCAGCCCAGCCCAC-3'
Protein context (NP_006653.2, residues 1007-1027): RTVVVVNNPR[Ala1017Val]PLGPVPVRPP

ClinVar aggregate classification (germline): Conflicting classifications of pathogenicity. Review status: criteria provided, conflicting classifications (1 of 4 stars). 3 submissions from 3 submitters: Uncertain significance (2); Likely benign (1). Last evaluated 2021-12-07.

Conditions:
Developmental delay, hypotonia, musculoskeletal defects, and behavioral abnormalities. Identifiers: MedGen C5562012, MONDO:0859202, OMIM 619595.
Floating-Harbor syndrome (FLHS). Also called: Short stature with delayed bone age, expressive language delay, a triangular face with a prominent nose and deep-set eyes; Pelletier-Leisti syndrome; SRCAP-Related Floating-Harbor Syndrome. Identifiers: Orphanet 2044, MedGen C0729582, MONDO:0007621, OMIM 136140.
Inborn genetic diseases. Identifiers: MedGen C0950123, MeSH D030342.

Allele frequency attached by ClinVar (database versions not stated): ExAC 0.00003; gnomAD 0.00001; gnomAD exomes 0.00001 and 0.00002; TOPMed 0.00001.
gnomAD v4.1: 35 of 1,613,778 alleles (0.0022%); highest among the groups gnomAD compares: Non-Finnish European, 0.0027%; no homozygotes.

Submissions (3):

Ambry Genetics
Classification: Likely benign for Inborn genetic diseases. Last evaluated: 2021-12-07. Review status: criteria provided, single submitter. Criteria: Ambry Variant Classification Scheme 2023. Collection method: clinical testing. Allele origin: germline.

Fulgent Genetics
Classification: Uncertain significance for Floating-Harbor syndrome; Developmental delay, hypotonia, musculoskeletal defects, and behavioral abnormalities. Last evaluated: 2021-10-19. Review status: criteria provided, single submitter. Criteria: ACMG Guidelines, 2015. Collection method: clinical testing. Allele origin: unknown.

Labcorp Genetics (formerly Invitae), Labcorp
Classification: Uncertain significance. Last evaluated: 2021-10-04. Review status: criteria provided, single submitter. Criteria: Invitae Variant Classification Sherloc (09022015). Collection method: clinical testing. Allele origin: germline.
Comment: This variant has not been reported in the literature in individuals affected with SRCAP-related conditions. In summary, the available evidence is currently insufficient to determine the role of this variant in disease. Therefore, it has been classified as a Variant of Uncertain Significance. Algorithms developed to predict the effect of sequence changes on RNA splicing suggest that this variant may create or strengthen a splice site. Algorithms developed to predict the effect of missense changes on protein structure and function are either unavailable or do not agree on the potential impact of this missense change (SIFT: "Tolerated"; PolyPhen-2: "Not Available"; Align-GVGD: "Class C0"). This variant is present in population databases (rs767714019, ExAC 0.01%). This sequence change replaces alanine with valine at codon 1017 of the SRCAP protein (p.Ala1017Val). The alanine residue is weakly conserved and there is a small physicochemical difference between alanine and valine.